The following is an entry in ClinVar:

ClinVar aggregate classification (germline): Uncertain significance (1 of 4 stars; one submission).

Conditions:
Juvenile polyposis syndrome (JPS). Identifiers: Orphanet 2929, MedGen C0345893, MONDO:0017380, OMIM 174900.

Submission:

Labcorp Genetics (formerly Invitae), Labcorp
Classification: Uncertain significance for Juvenile polyposis syndrome. Last evaluated: 2021-06-21. Review status: criteria provided, single submitter. Criteria: Invitae Variant Classification Sherloc (09022015). Collection method: clinical testing. Allele origin: germline.
Comment: This sequence change replaces serine with glycine at codon 210 of the SMAD4 protein (p.Ser210Gly). The serine residue is moderately conserved and there is a small physicochemical difference between serine and glycine. This variant is not present in population databases (ExAC no frequency). This variant has not been reported in the literature in individuals with SMAD4-related disease. Algorithms developed to predict the effect of missense changes on protein structure and function (SIFT, PolyPhen-2, Align-GVGD) all suggest that this variant is likely to be tolerated, but these predictions have not been confirmed by published functional studies and their clinical significance is uncertain. In summary, the available evidence is currently insufficient to determine the role of this variant in disease. Therefore, it has been classified as a Variant of Uncertain Significance.

NM_005359.6(SMAD4):c.628A>G (p.Ser210Gly)

Gene: SMAD4 (SMAD family member 4; plus strand). Cytogenetic location: 18q21.2.
Variant type: single nucleotide variant.
Coding change: c.628A>G on transcript NM_005359.6 (MANE Select); coding-DNA position 628, A replaced by G.
Protein change: p.Ser210Gly; replaces serine 210 with glycine.
Molecular consequence: missense variant.
Genome position (GRCh38, 1-based): chr18:51,054,954, A>G. VCF-style: chr18-51054954-A-G. GRCh37 (hg19) VCF-style: chr18-48581324-A-G.
Other names: short protein forms S210G.
Identifiers: ClinVar variation 566992 (VCV000566992.10), dbSNP rs1568205087, ClinGen allele CA402461212.